The following is an entry in ClinVar:

NM_001122764.3(PPOX):c.152G>A (p.Gly51Asp)

Gene: PPOX (protoporphyrinogen oxidase; plus strand). Cytogenetic location: 1q23.3.
Variant type: single nucleotide variant.
Coding change: c.152G>A on transcript NM_001122764.3 (MANE Select); coding-DNA position 152, G replaced by A.
Protein change: p.Gly51Asp; replaces glycine 51 with aspartic acid.
Molecular consequence: missense variant. On other transcripts: 5 prime UTR variant (5).
Genome position (GRCh38, 1-based): chr1:161,167,164, G>A. VCF-style: chr1-161167164-G-A. GRCh37 (hg19) VCF-style: chr1-161136954-G-A.
Other names: c.152G>A, p.Gly51Asp (NM_000309.5, NM_001350128.2, NM_001365398.1 and 1 more transcripts); c.-276G>A (NM_001350129.2); c.-367G>A (NM_001350130.2); c.-253G>A (NM_001350131.2); c.-160G>A (NM_001365400.1); c.-219G>A (NM_001365401.1); short protein forms G51D.
Identifiers: ClinVar variation 3782420 (VCV003782420.5).

ClinVar aggregate classification (germline): Uncertain significance. Review status: criteria provided, multiple submitters, no conflicts (2 of 4 stars). 2 submissions from 2 submitters: Uncertain significance (2). Last evaluated 2026-01-01.

Conditions:
Inborn genetic diseases. Identifiers: MedGen C0950123, MeSH D030342.

gnomAD v4.1: 24 of 1,614,196 alleles (0.0015%); highest among the groups gnomAD compares: East Asian, 0.0045%; no homozygotes.

Submissions (2):

CeGaT Center for Human Genetics Tuebingen
Classification: Uncertain significance. Last evaluated: 2026-01-01. Review status: criteria provided, single submitter. Criteria: CeGaT Center For Human Genetics Tuebingen Variant Classification Criteria Version 2. Collection method: clinical testing. Allele origin: germline. Affected: yes. Observed: 1 variant allele.
Comment: PPOX: PM2

Ambry Genetics
Classification: Uncertain significance for Inborn genetic diseases. Last evaluated: 2025-03-11. Review status: criteria provided, single submitter. Criteria: Ambry Variant Classification Scheme 2023. Collection method: clinical testing. Allele origin: germline.